The following is an entry in ClinVar:

ClinVar aggregate classification (germline): Benign/Likely benign. Review status: criteria provided, multiple submitters, no conflicts (2 of 4 stars). 5 submissions from 5 submitters: Benign (2); Likely benign (2). 1 of the submissions does not count toward it. Last evaluated 2026-09-01.

Conditions:
TRAPPC12-related disorder. Also called: TRAPPC12-related condition.
Inborn genetic diseases. Identifiers: MedGen C0950123, MeSH D030342.

Allele frequency attached by ClinVar (database versions not stated): 1000 Genomes Project 0.00140; 1000 Genomes Project 30x 0.00141; TOPMed 0.00186; ESP Exome Variant Server 0.00209; gnomAD 0.00215 and 0.00226; gnomAD exomes 0.00250 and 0.00280; ExAC 0.00497.
gnomAD v4.1: 3,897 of 1,565,924 alleles (0.25%); highest among the groups gnomAD compares: Middle Eastern, 0.5%; 17 homozygotes.

Submissions (5):

CeGaT Center for Human Genetics Tuebingen
Classification: Likely benign. Last evaluated: 2026-09-01. Review status: criteria provided, single submitter. Criteria: CeGaT Center For Human Genetics Tuebingen Variant Classification Criteria Version 2. Collection method: clinical testing. Allele origin: germline. Affected: yes. Observed: 6 variant alleles.
Comment: TRAPPC12: BP4, BS2

Labcorp Genetics (formerly Invitae), Labcorp
Classification: Benign. Last evaluated: 2025-12-16. Review status: criteria provided, single submitter. Criteria: Invitae Variant Classification Sherloc (09022015). Collection method: clinical testing. Allele origin: germline.

Ambry Genetics
Classification: Likely benign for Inborn genetic diseases. Last evaluated: 2024-04-12. Review status: criteria provided, single submitter. Criteria: Ambry Variant Classification Scheme 2023. Collection method: clinical testing. Allele origin: germline.

Breakthrough Genomics
Classification: Benign. Review status: criteria provided, single submitter. Criteria: ACMG Guidelines, 2015. Collection method: not provided. Allele origin: germline. Inheritance: Autosomal recessive inheritance. Affected: yes.

PreventionGenetics, part of Exact Sciences
Classification: Likely benign for TRAPPC12-related condition. Last evaluated: 2019-06-11. Review status: no assertion criteria provided. Collection method: clinical testing. Allele origin: germline. Not counted in ClinVar's aggregate classification.
Comment: This variant is classified as likely benign based on ACMG/AMP sequence variant interpretation guidelines (Richards et al. 2015 PMID: 25741868, with internal and published modifications).

NM_016030.6(TRAPPC12):c.64G>A (p.Ala22Thr)

Gene: TRAPPC12 (trafficking protein particle complex subunit 12; plus strand). Cytogenetic location: 2p25.3.
Variant type: single nucleotide variant.
Coding change: c.64G>A on transcript NM_016030.6 (MANE Select); coding-DNA position 64, G replaced by A.
Protein change: p.Ala22Thr; replaces alanine 22 with threonine.
Molecular consequence: missense variant.
Genome position (GRCh38, 1-based): chr2:3,387,687, G>A. VCF-style: chr2-3387687-G-A. GRCh37 (hg19) VCF-style: chr2-3391458-G-A.
Other names: c.64G>A, p.Ala22Thr (NM_001321102.2); c.64G>A (NM_016030.5); short protein forms A22T.
Identifiers: ClinVar variation 1614588 (VCV001614588.35), dbSNP rs200941005, ClinGen allele CA1515007.